The following is an entry in ClinVar:

NM_016247.4(IMPG2):c.1541A>G (p.Asp514Gly)

Gene: IMPG2 (interphotoreceptor matrix proteoglycan 2; minus strand). Cytogenetic location: 3q12.3.
Variant type: single nucleotide variant.
Coding change: c.1541A>G on transcript NM_016247.4 (MANE Select); coding-DNA position 1541, A replaced by G.
Protein change: p.Asp514Gly; replaces aspartic acid 514 with glycine.
Molecular consequence: missense variant.
Genome position (GRCh38, 1-based): chr3:101,245,804, T>C on the plus strand (A>G on the coding strand, the complement: IMPG2 is on the minus strand). VCF-style: chr3-101245804-T-C. GRCh37 (hg19) VCF-style: chr3-100964648-T-C.
Other names: short protein forms D514G.
Identifiers: ClinVar variation 1713479 (VCV001713479.5), dbSNP rs1706469522, ClinGen allele CA353861847.

ClinVar aggregate classification (germline): Uncertain significance (1 of 4 stars; one submission).

Submission:

Labcorp Genetics (formerly Invitae), Labcorp
Classification: Uncertain significance. Last evaluated: 2022-07-23. Review status: criteria provided, single submitter. Criteria: Invitae Variant Classification Sherloc (09022015). Collection method: clinical testing. Allele origin: germline.
Comment: This sequence change replaces aspartic acid, which is acidic and polar, with glycine, which is neutral and non-polar, at codon 514 of the IMPG2 protein (p.Asp514Gly). In summary, the available evidence is currently insufficient to determine the role of this variant in disease. Therefore, it has been classified as a Variant of Uncertain Significance. Algorithms developed to predict the effect of sequence changes on RNA splicing suggest that this variant may disrupt the consensus splice site. Algorithms developed to predict the effect of missense changes on protein structure and function are either unavailable or do not agree on the potential impact of this missense change (SIFT: "Deleterious"; PolyPhen-2: "Benign"; Align-GVGD: "Class C15"). This variant has not been reported in the literature in individuals affected with IMPG2-related conditions. This variant is not present in population databases (gnomAD no frequency).